The following is an entry in ClinVar:

ClinVar aggregate classification (germline): Conflicting classifications of pathogenicity. Review status: criteria provided, conflicting classifications (1 of 4 stars). 2 submissions from 2 submitters: Uncertain significance (1); Likely benign (1). Last evaluated 2026-01-13.

Allele frequency attached by ClinVar (database versions not stated): gnomAD exomes 0.00002; ExAC 0.00006; ESP Exome Variant Server 0.00008; TOPMed 0.00008; gnomAD 0.00010.
gnomAD v4.1: 46 of 1,613,330 alleles (0.0029%); highest among the groups gnomAD compares: African/African-American, 0.027%; no homozygotes.

Submissions (2):

Labcorp Genetics (formerly Invitae), Labcorp
Classification: Uncertain significance. Last evaluated: 2026-01-13. Review status: criteria provided, single submitter. Criteria: Invitae Variant Classification Sherloc (09022015). Collection method: clinical testing. Allele origin: germline.
Comment: This sequence change affects codon 386 of the CDH2 mRNA. It is a 'silent' change, meaning that it does not change the encoded amino acid sequence of the CDH2 protein. This variant also falls at the last nucleotide of exon 8, which is part of the consensus splice site for this exon. This variant is present in population databases (rs139373273, gnomAD 0.04%), and has an allele count higher than expected for a pathogenic variant. This variant has not been reported in the literature in individuals affected with CDH2-related conditions. ClinVar contains an entry for this variant (Variation ID: 2194270). Variants that disrupt the consensus splice site are a relatively common cause of aberrant splicing (PMID: 17576681, 9536098). Algorithms developed to predict the effect of sequence changes on RNA splicing suggest that this variant is not likely to affect RNA splicing. In summary, the available evidence is currently insufficient to determine the role of this variant in disease. Therefore, it has been classified as a Variant of Uncertain Significance.

Blueprint Genetics
Classification: Likely benign. Last evaluated: 2022-02-07. Review status: criteria provided, single submitter. Criteria: ACMG Guidelines, 2015. Collection method: clinical testing. Allele origin: germline.

Literature cited by the submitters: PubMed 17576681 (cited by Labcorp Genetics (formerly Invitae), Labcorp); PubMed 9536098 (cited by Labcorp Genetics (formerly Invitae), Labcorp).

NM_001792.5(CDH2):c.1158G>A (p.Thr386=)

Gene: CDH2 (cadherin 2; minus strand). Cytogenetic location: 18q12.1.
Variant type: single nucleotide variant.
Coding change: c.1158G>A on transcript NM_001792.5 (MANE Select); coding-DNA position 1158, G replaced by A.
Protein change: p.Thr386=; no amino-acid change (threonine 386 retained).
Molecular consequence: synonymous variant.
Genome position (GRCh38, 1-based): chr18:27,993,500, C>T on the plus strand (G>A on the coding strand, the complement: CDH2 is on the minus strand). VCF-style: chr18-27993500-C-T. GRCh37 (hg19) VCF-style: chr18-25573464-C-T.
Other names: c.1065G>A, p.Thr355= (NM_001308176.2).
Identifiers: ClinVar variation 2194270 (VCV002194270.5), dbSNP rs139373273, ClinGen allele CA8923509.
Genomic context (GRCh38, chr18:27,993,500, plus strand): 5'-CCAACCTTCTCAGTAACGAACTACAGACCCAAAGTTGTGTGAGTGACAGGCTGTACTCAC[C>T]GTCATGGCAGTAAACTCTGGAGGATTGTCATTGACATCTGTCACTGTGATGACGGCCGTG-3'
Protein context (NP_001783.2, residues 376-396): NDNPPEFTAM[Thr386=]FYGEVPENRV